The following is an entry in ClinVar:

GRCh38/hg38 6q27(chr6:166370159-170602152)x1

Genes: AFDN (afadin, adherens junction formation factor; plus strand), AFDN-DT (AFDN divergent transcript; minus strand), C6orf120 (chromosome 6 open reading frame 120; plus strand), CCR6 (C-C motif chemokine receptor 6; plus strand), CEP43 (centrosomal protein 43; plus strand) and 167 more. Cytogenetic location: 6q27.
Variant type: copy number loss.
Change: copy number 1 (one copy instead of two) of chr6:166,370,159-170,602,152 (4.23 Mb, GRCh38 coordinates, 1-based), cytogenetic band 6q27.
Identifiers: ClinVar variation 58472 (VCV000058472.2).

ClinVar aggregate classification (germline): Pathogenic (1 of 4 stars; one submission).

Submission:

ISCA Site 6
Classification: Pathogenic. Last evaluated: 2011-08-12. Review status: criteria provided, single submitter. Criteria: Kaminsky et al. (Genet Med. 2011). Collection method: clinical testing. Allele origin: unknown. Affected: yes. Observed: 1 variant allele.
Comment: Copy number variation identified through the course of routine clinical cytogenomic testing in postnatal populations. Clinical assertions have been curated as described in Kaminsky et al. 2011.